The following is an entry in ClinVar:

NM_003579.4(RAD54L):c.777G>T (p.Met259Ile)

Gene: RAD54L (RAD54 like; plus strand). Cytogenetic location: 1p34.1.
Variant type: single nucleotide variant.
Coding change: c.777G>T on transcript NM_003579.4 (MANE Select); coding-DNA position 777, G replaced by T.
Protein change: p.Met259Ile; replaces methionine 259 with isoleucine.
Molecular consequence: missense variant.
Genome position (GRCh38, 1-based): chr1:46,261,271, G>T. VCF-style: chr1-46261271-G-T. GRCh37 (hg19) VCF-style: chr1-46726943-G-T.
Other names: c.777G>T, p.Met259Ile (NM_001142548.2); c.237G>T, p.Met79Ile (NM_001370766.1); short protein forms M79I, M259I.
Identifiers: ClinVar variation 1760596 (VCV001760596.2), dbSNP rs2148289180, ClinGen allele CA340188501.

ClinVar aggregate classification (germline): Uncertain significance (1 of 4 stars; one submission).

Submission:

Ambry Genetics
Classification: Uncertain significance. Last evaluated: 2021-12-10. Review status: criteria provided, single submitter. Criteria: Ambry Variant Classification Scheme 2023. Collection method: clinical testing. Allele origin: germline.
Comment: The p.M259I variant (also known as c.777G>T), located in coding exon 8 of the RAD54L gene, results from a G to T substitution at nucleotide position 777. The methionine at codon 259 is replaced by isoleucine, an amino acid with highly similar properties. This amino acid position is conserved. In addition, this alteration is predicted to be tolerated by in silico analysis. Since supporting evidence is limited at this time, the clinical significance of this alteration remains unclear.